The following is an entry in ClinVar:

ClinVar aggregate classification (germline): Uncertain significance (1 of 4 stars; one submission).

Submission:

GeneDx
Classification: Uncertain significance. Last evaluated: 2023-12-23. Review status: criteria provided, single submitter. Criteria: GeneDx Variant Classification Process June 2021. Collection method: clinical testing. Allele origin: germline. Affected: yes.
Comment: Not observed at significant frequency in large population cohorts (gnomAD); In silico analysis supports that this missense variant has a deleterious effect on protein structure/function; Has not been previously published as pathogenic or benign to our knowledge

NM_020706.2(SCAF4):c.3125G>T (p.Arg1042Met)

Gene: SCAF4 (SR-related CTD associated factor 4; minus strand). Cytogenetic location: 21q22.11.
Variant type: single nucleotide variant.
Coding change: c.3125G>T on transcript NM_020706.2 (MANE Select); coding-DNA position 3125, G replaced by T.
Protein change: p.Arg1042Met; replaces arginine 1042 with methionine.
Molecular consequence: missense variant.
Genome position (GRCh38, 1-based): chr21:31,671,718, C>A on the plus strand (G>T on the coding strand, the complement: SCAF4 is on the minus strand). VCF-style: chr21-31671718-C-A. GRCh37 (hg19) VCF-style: chr21-33044031-C-A.
Other names: c.3080G>T, p.Arg1027Met (NM_001145444.1); c.3059G>T, p.Arg1020Met (NM_001145445.1); short protein forms R1020M, R1027M, R1042M.
Identifiers: ClinVar variation 3370271 (VCV003370271.1).
Genomic context (GRCh38, chr21:31,671,718, plus strand): 5'-TCTCTCTCTCTGTCTCGATGCCCACTAGAGCGTCTATTTCTCTCTTCCAAGTCTCTGTGC[C>A]TGTCCCGGTCAGGGCTCCTCCTTCCCCACTCTCTCCTGTCACGGTTACTATTATCTCTAT-3'
Protein context (NP_065757.1, residues 1032-1052): EWGRRSPDRD[Arg1042Met]HRDLEERNRR